The following is an entry in ClinVar:

ClinVar aggregate classification (germline): Conflicting classifications of pathogenicity. Review status: criteria provided, conflicting classifications (1 of 4 stars). 12 submissions from 12 submitters: Likely pathogenic (1); Uncertain significance (11). Last evaluated 2026-06-30.

Conditions:
Acromicric dysplasia (ACMICD). Also called: Acromicric skeletal dysplasia. Identifiers: Orphanet 969, MedGen C0265287, MONDO:0007055, OMIM 102370.
Marfan syndrome (MFS). Also called: FBN1-Related Marfan Syndrome; Marfan syndrome type 1; Marfan's syndrome; Marfan syndrome, classic; MARFAN SYNDROME, TYPE I. Identifiers: Orphanet 284963, Orphanet 558, MedGen C0024796, MONDO:0007947, OMIM 154700.
Progeroid and marfanoid aspect-lipodystrophy syndrome. Also called: MARFANOID-PROGEROID-LIPODYSTROPHY SYNDROME; MARFANOID-PROGEROID SYNDROME; MARFAN-PROGEROID-LIPODYSTROPHY SYNDROME; Marfan lipodystrophy syndrome. Identifiers: Orphanet 300382, MedGen C4310796, MONDO:0014831, OMIM 616914.
Stiff skin syndrome (SSKS). Identifiers: Orphanet 2833, MedGen C1861456, MONDO:0008492, OMIM 184900.
Geleophysic dysplasia 2 (GPHYSD2). Identifiers: Orphanet 2623, MedGen C3280054, MONDO:0013612, OMIM 614185.
Weill-Marchesani syndrome 2, dominant. Also called: Weill-Marchesani Syndrome, Autosomal Dominant; FBN1-Related Weill-Marchesani Syndrome. Identifiers: Orphanet 2084, MedGen C1869115, MONDO:0012013, OMIM 608328.
MASS syndrome (OCTD). Also called: OVERLAP CONNECTIVE TISSUE DISEASE; MASS PHENOTYPE. Identifiers: MedGen C1858556, MONDO:0011431, OMIM 604308.
Ectopia lentis 1, isolated, autosomal dominant (ECTOL1). Identifiers: Orphanet 1885, MedGen C3541518, MONDO:0007514, OMIM 129600.
Familial thoracic aortic aneurysm and aortic dissection (TAAD). Also called: Thoracic aortic aneurysms and dissections. Identifiers: Orphanet 91387, MedGen C4707243, MONDO:0019625.
FBN1-related disorder. Also called: FBN1-related disorders.

Allele frequency attached by ClinVar (database versions not stated): ExAC 0.00003; TOPMed 0.00005; gnomAD exomes 0.00002; gnomAD 0.00006 and 0.00005; ESP Exome Variant Server 0.00015.
gnomAD v4.1: 40 of 1,614,068 alleles (0.0025%); highest among the groups gnomAD compares: African/African-American, 0.008%; no homozygotes.

Submissions 1 to 6 of 12:

PreventionGenetics, part of Exact Sciences
Classification: Uncertain significance for FBN1-related condition. Last evaluated: 2026-06-30. Review status: criteria provided, single submitter. Criteria: ACMG Guidelines, 2015. Collection method: clinical testing. Allele origin: germline.
Comment: The FBN1 c.7999G>A variant is predicted to result in the amino acid substitution p.Glu2667Lys. This variant has been reported in the homozygous state in an individual with Marfan syndrome, while two heterozygous individuals from this family had an aortic dilation and one heterozygous carrier was asymptomatic (Arnaud et al. 2017. PubMed ID: 27582083). This variant has also been observed in a fetal demise with multiple anomalies (Table S2, Zhao et al. 2020. PubMed ID: 33100332), in an individual with idiopathic short stature (Ahn et al. 2021. PubMed ID: 34653508), in an individual with dilated cardiomyopathy (Table S5, Perret et al. 2023. PubMed ID: 37904629), and in two unaffected individuals from a control cohort (Table S2, Wenderholm et al. 2025. PubMed ID: 39486665). This variant is reported in 0.020% of alleles in individuals of African descent in gnomAD. At this time, the clinical significance of this variant is uncertain due to the absence of conclusive functional and genetic evidence.

Women's Health and Genetics/Laboratory Corporation of America, LabCorp
Classification: Uncertain significance. Last evaluated: 2026-04-06. Review status: criteria provided, single submitter. Criteria: LabCorp Variant Classification Summary - May 2015. Collection method: clinical testing. Allele origin: germline.
Comment: Variant summary: FBN1 c.7999G>A (p.Glu2667Lys) results in a conservative amino acid change located in the EGF-like calcium-binding domain of the encoded protein sequence. Algorithms developed to predict the effect of missense changes on protein structure and function are either unavailable or do not agree on the potential impact of this missense change. The variant allele was found at a frequency of 2e-05 in 250448 control chromosomes, predominantly at a frequency of 0.00012 within the African or African-American subpopulation in the gnomAD database. The available data on variant occurrences in the general population are insufficient to allow any conclusion about variant significance. c.7999G>A has been observed in individuals affected with features suggestive of Marfan Syndrome (example: Arnaud_2017). It was subsequently reported in individuals with fetal demise/multiple anomalies and short stature, respectively (example: Ahn_2021, Zhao_2021). These reports do not provide unequivocal conclusions about association of the variant with Marfan Syndrome. To our knowledge, no experimental evidence demonstrating an impact on protein function has been reported. The following publications have been ascertained in the context of this evaluation (PMID: 27582083, 34653508, 33100332). ClinVar contains an entry for this variant (Variation ID: 36124). Based on the evidence outlined above, the variant was classified as uncertain significance.

Labcorp Genetics (formerly Invitae), Labcorp
Classification: Likely pathogenic for Marfan syndrome; Familial thoracic aortic aneurysm and aortic dissection. Last evaluated: 2026-01-16. Review status: criteria provided, single submitter. Criteria: Invitae Variant Classification Sherloc (09022015). Collection method: clinical testing. Allele origin: germline.
Comment: This sequence change replaces glutamic acid, which is acidic and polar, with lysine, which is basic and polar, at codon 2667 of the FBN1 protein (p.Glu2667Lys). This variant is present in population databases (rs149062442, gnomAD 0.02%). This missense change has been observed in individuals with clinical features of Marfan syndrome and/or aortic dissection (PMID: 27582083; internal data). It has also been observed to segregate with disease in related individuals. ClinVar contains an entry for this variant (Variation ID: 36124). Invitae Evidence Modeling of protein sequence and biophysical properties (such as structural, functional, and spatial information, amino acid conservation, physicochemical variation, residue mobility, and thermodynamic stability) indicates that this missense variant is not expected to disrupt FBN1 protein function with a negative predictive value of 95%. In summary, the currently available evidence indicates that the variant is pathogenic, but additional data are needed to prove that conclusively. Therefore, this variant has been classified as Likely Pathogenic.

Color Diagnostics, LLC DBA Color Health
Classification: Uncertain significance for Familial thoracic aortic aneurysm and aortic dissection. Last evaluated: 2025-12-18. Review status: criteria provided, single submitter. Criteria: ACMG Guidelines, 2015. Collection method: clinical testing. Allele origin: germline.
Comment: This missense variant replaces glutamic acid with lysine at codon 2667 of the FBN1 protein. Computational prediction suggests that this variant may not impact protein structure and function. To our knowledge, functional studies have not been reported for this variant. The individual's heterozygous parent and sibling had aortic dilation, while the other heterozygous parent was unaffected (PMID: 27582083). This variant has also been reported in a case of fetal demise with multiple anomalies (PMID: 33100332) and in an individual affected with dilated cardiomyopathy (PMID: 37904629). This variant has been identified in 40/1614068 chromosomes in the general population by the Genome Aggregation Database (gnomAD). The available evidence is insufficient to determine the role of this variant in disease conclusively. Therefore, this variant is classified as a Variant of Uncertain Significance.

Genomic Medicine Center of Excellence, King Faisal Specialist Hospital and Research Centre
Classification: Uncertain significance for Marfan syndrome. Last evaluated: 2024-12-18. Review status: criteria provided, single submitter. Criteria: ACMG Guidelines, 2015. Collection method: clinical testing. Allele origin: germline.

ARUP Laboratories, Molecular Genetics and Genomics, ARUP Laboratories
Classification: Uncertain significance. Last evaluated: 2024-11-19. Review status: criteria provided, single submitter. Criteria: ARUP Molecular Germline Variant Investigation Process 2024. Collection method: clinical testing. Allele origin: germline.
Comment: The FBN1 c.7999G>A; Additionally, this variant has been reported in an individual with idiopathic short stature but no other Marfan-like symptoms (Ahn 2022) and in one case of fetal demise (Zhao 2021). This variant is found in the general population with an overall allele frequency of 0.003% (9/281,854 alleles)) in the Genome Aggregation Database (v2.1.1). Computational analyses are uncertain whether this variant is neutral or deleterious (REVEL: 0.454). Due to limited information, the clinical significance of this variant is uncertain at this time. References: Ahn J et al. Next-generation sequencing-based mutational analysis of idiopathic short stature and isolated growth hormone deficiency in Korean pediatric patients. Mol Cell Endocrinol. 2022 Mar 15;544:111489. PMID: 34653508. Arnaud P et al. Homozygous and compound heterozygous mutations in the FBN1 gene: unexpected findings in molecular diagnosis of Marfan syndrome. J Med Genet. 2017 Feb;54(2):100-103. PMID: 27582083. Zhao C et al. Exome sequencing analysis on products of conception: a cohort study to evaluate clinical utility and genetic etiology for pregnancy loss. Genet Med. 2021 Mar;23(3):435-442. PMID: 33100332.

NM_000138.5(FBN1):c.7999G>A (p.Glu2667Lys)

Gene: FBN1 (fibrillin 1; minus strand). Cytogenetic location: 15q21.1.
Variant type: single nucleotide variant.
Coding change: c.7999G>A on transcript NM_000138.5 (MANE Select); coding-DNA position 7999, G replaced by A.
Protein change: p.Glu2667Lys; replaces glutamic acid 2667 with lysine.
Molecular consequence: missense variant.
Genome position (GRCh38, 1-based): chr15:48,415,588, C>T on the plus strand (G>A on the coding strand, the complement: FBN1 is on the minus strand). VCF-style: chr15-48415588-C-T. GRCh37 (hg19) VCF-style: chr15-48707785-C-T.
Other names: short protein forms E2667K.
Identifiers: ClinVar variation 36124 (VCV000036124.38), dbSNP rs149062442, ClinGen allele CA017493.
Genomic context (GRCh38, chr15:48,415,588, plus strand): 5'-CTGCTTACCCTTGGCCTATGCGGAAGTAACCAGGTGGACAGCCACACAGGTAACCGCCCT[C>T]GGTATTGGAACAGCCATAGCTGCAGGGGGCCTGCGCAGAGCCACATTCATTGATGTCTTG-3'
Protein context (NP_000129.3, residues 2657-2677): APCSYGCSNT[Glu2667Lys]GGYLCGCPPG